The following is an entry in ClinVar:

NM_022095.4(ZNF335):c.2776A>C (p.Ile926Leu)

Gene: ZNF335 (zinc finger protein 335; minus strand). Cytogenetic location: 20q13.12.
Variant type: single nucleotide variant.
Coding change: c.2776A>C on transcript NM_022095.4 (MANE Select); coding-DNA position 2776, A replaced by C.
Protein change: p.Ile926Leu; replaces isoleucine 926 with leucine.
Molecular consequence: missense variant.
Genome position (GRCh38, 1-based): chr20:45,952,636, T>G on the plus strand (A>C on the coding strand, the complement: ZNF335 is on the minus strand). VCF-style: chr20-45952636-T-G. GRCh37 (hg19) VCF-style: chr20-44581275-T-G.
Other names: short protein forms I926L.
Identifiers: ClinVar variation 2012200 (VCV002012200.4), dbSNP rs2515531104, ClinGen allele CA409239572.

ClinVar aggregate classification (germline): Uncertain significance (1 of 4 stars; one submission).

Submission:

Labcorp Genetics (formerly Invitae), Labcorp
Classification: Uncertain significance. Last evaluated: 2022-06-29. Review status: criteria provided, single submitter. Criteria: Invitae Variant Classification Sherloc (09022015). Collection method: clinical testing. Allele origin: germline.
Comment: This sequence change replaces isoleucine, which is neutral and non-polar, with leucine, which is neutral and non-polar, at codon 926 of the ZNF335 protein (p.Ile926Leu). This variant is not present in population databases (gnomAD no frequency). This variant has not been reported in the literature in individuals affected with ZNF335-related conditions. Algorithms developed to predict the effect of missense changes on protein structure and function (SIFT, PolyPhen-2, Align-GVGD) all suggest that this variant is likely to be tolerated. In summary, the available evidence is currently insufficient to determine the role of this variant in disease. Therefore, it has been classified as a Variant of Uncertain Significance.